The following is an entry in ClinVar:

NM_000044.6(AR):c.2613G>A (p.Ala871=)

Gene: AR (androgen receptor; plus strand). Cytogenetic location: Xq12.
Variant type: single nucleotide variant.
Coding change: c.2613G>A on transcript NM_000044.6 (MANE Select); coding-DNA position 2613, G replaced by A.
Protein change: p.Ala871=; no amino-acid change (alanine 871 retained).
Molecular consequence: synonymous variant.
Genome position (GRCh38, 1-based): chrX:67,723,691, G>A. VCF-style: chrX-67723691-G-A. GRCh37 (hg19) VCF-style: chrX-66943533-G-A.
Other names: c.1017G>A, p.Ala339= (NM_001011645.3); c.2616G>A, p.Ala872= (NM_001424175.1).
Identifiers: ClinVar variation 2943082 (VCV002943082.4), dbSNP rs780838814, ClinGen allele CA10436704.

ClinVar aggregate classification (germline): Benign/Likely benign. Review status: criteria provided, multiple submitters, no conflicts (2 of 4 stars). 2 submissions from 2 submitters: Benign (1); Likely benign (1). Last evaluated 2024-09-20.

Conditions:
Kennedy disease (SMAX1). Also called: SPINAL AND BULBAR MUSCULAR ATROPHY, X-LINKED 1; KENNEDY SPINAL AND BULBAR MUSCULAR ATROPHY; Spinal and Bulbar Muscular Atrophy. Identifiers: Orphanet 481, MedGen C1839259, MONDO:0010735, OMIM 313200.
Androgen resistance syndrome (AIS). Also called: DHTR DEFICIENCY; DIHYDROTESTOSTERONE RECEPTOR DEFICIENCY; ANDROGEN RECEPTOR DEFICIENCY; TESTICULAR FEMINIZATION SYNDROME; Androgen insensitivity syndrome; Androgen insensitivity. Identifiers: Orphanet 754, Orphanet 99429, MedGen C0039585, MONDO:0019154, OMIM 300068. Disease mechanism: loss of function.

Allele frequency attached by ClinVar (database versions not stated): ExAC 0.00001; gnomAD exomes 0.00001.
gnomAD v4.1: 8 of 1,210,610 alleles (0.00066%); highest among the groups gnomAD compares: Middle Eastern, 0.023%; no homozygotes.

Submissions (2):

Women's Health and Genetics/Laboratory Corporation of America, LabCorp
Classification: Likely benign. Last evaluated: 2024-09-20. Review status: criteria provided, single submitter. Criteria: LabCorp Variant Classification Summary - May 2015. Collection method: clinical testing. Allele origin: germline.
Comment: Variant summary: AR c.2613G>A results in a synonymous change. Consensus agreement among computation tools predict no significant impact on normal splicing. However, these predictions have yet to be confirmed by functional studies. The variant allele was found at a frequency of 5.5e-06 in 181269 control chromosomes, including one hemizygote. The available data on variant occurrences in the general population are insufficient to allow any conclusion about variant significance. c.2613G>A has been reported in the literature in individuals affected with Androgen Resistance Syndrome (Akcay_2014). These data do not allow any conclusion about variant significance. To our knowledge, no experimental evidence demonstrating an impact on protein function has been reported. The following publication have been ascertained in the context of this evaluation (PMID: 24737579). ClinVar contains an entry for this variant (Variation ID: 2943082). Based on the evidence outlined above, the variant was classified as likely benign.

Labcorp Genetics (formerly Invitae), Labcorp
Classification: Benign for Kennedy disease; Androgen resistance syndrome. Last evaluated: 2023-10-09. Review status: criteria provided, single submitter. Criteria: Invitae Variant Classification Sherloc (09022015). Collection method: clinical testing. Allele origin: germline.

Literature cited by the submitters: PubMed 24737579 (cited by Women's Health and Genetics/Laboratory Corporation of America, LabCorp).